The following is an entry in ClinVar:

ClinVar aggregate classification (germline): Pathogenic (1 of 4 stars; one submission).

Conditions:
Ataxia-telangiectasia syndrome (AT). Also called: Cerebello-oculocutaneous telangiectasia; Immunodeficiency with ataxia telangiectasia; Ataxia-telangiectasia; AT, COMPLEMENTATION GROUP C; Ataxia telangiectasia (A-T); LOUIS-BAR SYNDROME. Identifiers: Orphanet 100, MedGen C0004135, MONDO:0008840, OMIM 208900.

Submission:

Labcorp Genetics (formerly Invitae), Labcorp
Classification: Pathogenic for Ataxia-telangiectasia syndrome. Last evaluated: 2023-03-17. Review status: criteria provided, single submitter. Criteria: Invitae Variant Classification Sherloc (09022015). Collection method: clinical testing. Allele origin: germline.
Comment: For these reasons, this variant has been classified as Pathogenic. The region of the ATM gene that includes exon(s) 62-63 has been determined to be clinically significant (PMID: 9443866, 9792409, 25614872). Therefore, deletions that encompass that region are likely to be disease-causing. This variant has not been reported in the literature in individuals affected with ATM-related conditions. This variant is a gross deletion of the genomic region encompassing exon(s) 25-63 of the ATM gene, which includes the termination codon. This deletion extends beyond the assayed region for this gene and therefore may encompass additional genes. While this deletion is not anticipated to lead to nonsense mediated decay, it is expected to alter mRNA translation or result in a truncated protein product.

Literature cited by the submitters: PubMed 9443866; PubMed 9792409; PubMed 25614872.

NC_000011.9:g.(?_108153427)_(108236235_?)del

Gene: ATM (ATM serine/threonine kinase; plus strand). Cytogenetic location: 11q22.3.
Variant type: Deletion.
Identifiers: ClinVar variation 2422216 (VCV002422216.4).